The following is an entry in ClinVar:

NM_001486.4(GCKR):c.637A>G (p.Met213Val)

Gene: GCKR (glucokinase regulator; plus strand). Cytogenetic location: 2p23.3.
Variant type: single nucleotide variant.
Coding change: c.637A>G on transcript NM_001486.4 (MANE Select); coding-DNA position 637, A replaced by G.
Protein change: p.Met213Val; replaces methionine 213 with valine.
Molecular consequence: missense variant.
Genome position (GRCh38, 1-based): chr2:27,501,222, A>G. VCF-style: chr2-27501222-A-G. GRCh37 (hg19) VCF-style: chr2-27724089-A-G.
Other names: short protein forms M213V.
Identifiers: ClinVar variation 4770156 (VCV004770156.1).

ClinVar aggregate classification (germline): Uncertain significance (1 of 4 stars; one submission).

gnomAD v4.1: 2 of 1,610,464 alleles (0.00012%); highest among the groups gnomAD compares: Non-Finnish European, 0.00017%; no homozygotes.

Submission:

Labcorp Genetics (formerly Invitae), Labcorp
Classification: Uncertain significance. Last evaluated: 2025-05-26. Review status: criteria provided, single submitter. Criteria: Invitae Variant Classification Sherloc (09022015). Collection method: clinical testing. Allele origin: germline.
Comment: This sequence change replaces methionine, which is neutral and non-polar, with valine, which is neutral and non-polar, at codon 213 of the GCKR protein (p.Met213Val). This variant is present in population databases (no rsID available, gnomAD 0.007%). This variant has not been reported in the literature in individuals affected with GCKR-related conditions. Invitae Evidence Modeling of protein sequence and biophysical properties (such as structural, functional, and spatial information, amino acid conservation, physicochemical variation, residue mobility, and thermodynamic stability) indicates that this missense variant is not expected to disrupt GCKR protein function with a negative predictive value of 80%. In summary, the available evidence is currently insufficient to determine the role of this variant in disease. Therefore, it has been classified as a Variant of Uncertain Significance.